The following is an entry in ClinVar:

ClinVar aggregate classification (germline): Uncertain significance (1 of 4 stars; one submission).

Submission:

Labcorp Genetics (formerly Invitae), Labcorp
Classification: Uncertain significance. Last evaluated: 2024-10-29. Review status: criteria provided, single submitter. Criteria: Invitae Variant Classification Sherloc (09022015). Collection method: clinical testing. Allele origin: germline.
Comment: This sequence change disrupts the translational stop signal of the ACAN mRNA. It is expected to extend the length of the ACAN protein by 40 additional amino acid residues. This variant is not present in population databases (gnomAD no frequency). This variant has not been reported in the literature in individuals affected with ACAN-related conditions. Experimental studies and prediction algorithms are not available or were not evaluated, and the functional significance of this variant is currently unknown. In summary, the available evidence is currently insufficient to determine the role of this variant in disease. Therefore, it has been classified as a Variant of Uncertain Significance.

NM_001369268.1(ACAN):c.7703_7704dup (p.Ter2569ThrextTer?)

Gene: ACAN (aggrecan; plus strand). Cytogenetic location: 15q26.1.
Variant type: Duplication.
Coding change: c.7703_7704dup on transcript NM_001369268.1 (MANE Select); coding-DNA positions 7703 to 7704, 2 bases duplicated (AC; older notation c.7703_7704dupAC).
Protein change: p.Ter2569ThrextTer?.
Molecular consequence: frameshift variant, stop lost.
Genome position (GRCh38, 1-based): chr15:88,874,477-88,874,478, AC duplicated; duplicating any 2 consecutive bases within chr15:88,874,476-88,874,478 gives the same sequence; the c. name uses the placement nearest the transcript's 3' end. VCF-style (leftmost placement, unchanged base first): chr15-88874475-C-CCA. GRCh37 (hg19) VCF-style: chr15-89417706-C-CCA.
Other names: c.7475_7476dup, p.Ter2493ThrextTer? (NM_001411096.1); c.7589_7590dup, p.Ter2531ThrextTer? (NM_001411097.1, NM_013227.4); c.7292_7293dup, p.Ter2432ThrextTer? (NM_001135.4).
Identifiers: ClinVar variation 3620042 (VCV003620042.2).